The following is an entry in ClinVar:

ClinVar aggregate classification (germline): Uncertain significance (1 of 4 stars; one submission).

Conditions:
Pitt-Hopkins-like syndrome 2 (PTHSL2). Identifiers: Orphanet 221150, Orphanet 600663, MedGen C3280479, MONDO:0013690, OMIM 614325.

Submission:

Labcorp Genetics (formerly Invitae), Labcorp
Classification: Uncertain significance for Pitt-Hopkins-like syndrome 2. Last evaluated: 2023-08-17. Review status: criteria provided, single submitter. Criteria: Invitae Variant Classification Sherloc (09022015). Collection method: clinical testing. Allele origin: germline.
Comment: This sequence change replaces histidine, which is basic and polar, with arginine, which is basic and polar, at codon 401 of the NRXN1 protein (p.His401Arg). This variant is not present in population databases (gnomAD no frequency). This variant has not been reported in the literature in individuals affected with NRXN1-related conditions. ClinVar contains an entry for this variant (Variation ID: 1462564). An algorithm developed to predict the effect of missense changes on protein structure and function (PolyPhen-2) suggests that this variant is likely to be disruptive. In summary, the available evidence is currently insufficient to determine the role of this variant in disease. Therefore, it has been classified as a Variant of Uncertain Significance.

NM_001330078.2(NRXN1):c.1103A>G (p.His368Arg)

Gene: NRXN1 (neurexin 1; minus strand). Cytogenetic location: 2p16.3.
Variant type: single nucleotide variant.
Coding change: c.1103A>G on transcript NM_001330078.2 (MANE Select); coding-DNA position 1103, A replaced by G.
Protein change: p.His368Arg; replaces histidine 368 with arginine.
Molecular consequence: missense variant.
Genome position (GRCh38, 1-based): chr2:50,623,345, T>C on the plus strand (A>G on the coding strand, the complement: NRXN1 is on the minus strand). VCF-style: chr2-50623345-T-C. GRCh37 (hg19) VCF-style: chr2-50850483-T-C.
Other names: c.1202A>G, p.His401Arg (NM_001135659.3); c.1103A>G, p.His368Arg (NM_001330077.2, NM_001330082.2, NM_001330085.2 and 3 more transcripts); c.1043A>G, p.His348Arg (NM_001330083.2, NM_001330084.2, NM_001330087.2 and 1 more transcripts); c.1073A>G, p.His358Arg (NM_001330088.2); c.1100A>G, p.His367Arg (NM_001330093.2); c.1091A>G, p.His364Arg (NM_001330094.2); short protein forms H358R, H368R, H348R, H364R, H401R, H367R.
Identifiers: ClinVar variation 1462564 (VCV001462564.8), dbSNP rs2104294116, ClinGen allele CA346822122.